The following is an entry in ClinVar:

ClinVar aggregate classification (germline): Uncertain significance (1 of 4 stars; one submission).

gnomAD v4.1: 2 of 1,589,948 alleles (0.00013%); highest among the groups gnomAD compares: Admixed American, 0.0033%; no homozygotes.

Submission:

Labcorp Genetics (formerly Invitae), Labcorp
Classification: Uncertain significance. Last evaluated: 2024-12-09. Review status: criteria provided, single submitter. Criteria: Invitae Variant Classification Sherloc (09022015). Collection method: clinical testing. Allele origin: germline.
Comment: This sequence change replaces arginine, which is basic and polar, with lysine, which is basic and polar, at codon 984 of the GUCY2C protein (p.Arg984Lys). This variant is not present in population databases (gnomAD no frequency). This variant has not been reported in the literature in individuals affected with GUCY2C-related conditions. Invitae Evidence Modeling of protein sequence and biophysical properties (such as structural, functional, and spatial information, amino acid conservation, physicochemical variation, residue mobility, and thermodynamic stability) indicates that this missense variant is expected to disrupt GUCY2C protein function with a positive predictive value of 80%. In summary, the available evidence is currently insufficient to determine the role of this variant in disease. Therefore, it has been classified as a Variant of Uncertain Significance.

NM_004963.4(GUCY2C):c.2951G>A (p.Arg984Lys)

Genes: GUCY2C (guanylate cyclase 2C; minus strand), PLBD1-AS1 (PLBD1 antisense RNA 1; plus strand). Cytogenetic location: 12p12.3.
Variant type: single nucleotide variant.
Coding change: c.2951G>A on transcript NM_004963.4 (MANE Select); coding-DNA position 2951, G replaced by A.
Protein change: p.Arg984Lys; replaces arginine 984 with lysine.
Molecular consequence: missense variant.
Genome position (GRCh38, 1-based): chr12:14,616,652, C>T on the plus strand (G>A on the coding strand, the complement: GUCY2C is on the minus strand). VCF-style: chr12-14616652-C-T. GRCh37 (hg19) VCF-style: chr12-14769586-C-T.
Other names: short protein forms R984K.
Identifiers: ClinVar variation 3626699 (VCV003626699.2).